The following is an entry in ClinVar:

NM_004006.3(DMD):c.3600G>A (p.Met1200Ile)

Gene: DMD (dystrophin; minus strand). Cytogenetic location: Xp21.1.
Variant type: single nucleotide variant.
Coding change: c.3600G>A on transcript NM_004006.3 (MANE Select); coding-DNA position 3600, G replaced by A.
Protein change: p.Met1200Ile; replaces methionine 1200 with isoleucine.
Molecular consequence: missense variant.
Genome position (GRCh38, 1-based): chrX:32,454,665, C>T on the plus strand (G>A on the coding strand, the complement: DMD is on the minus strand). VCF-style: chrX-32454665-C-T. GRCh37 (hg19) VCF-style: chrX-32472782-C-T.
Other names: c.3576G>A, p.Met1192Ile (NM_000109.4); c.3588G>A, p.Met1196Ile (NM_004009.3); c.3231G>A, p.Met1077Ile (NM_004010.3); short protein forms M1077I, M1200I, M1192I, M1196I.
Identifiers: ClinVar variation 2710854 (VCV002710854.3), dbSNP rs2098348573, ClinGen allele CA412662840.
Genomic context (GRCh38, chrX:32,454,665, plus strand): 5'-CTTTCTTTTTCCATTTATTTCCTTTGTTTTACTTAGTTTTTCTTTTTTTTTTTTTACCTT[C>T]ATCTCTTCAACTGCTTTCTGTAATTCATCTGGAGTTTTATATTCAAAATCTCTCTCAAGA-3'
Protein context (NP_003997.2, residues 1190-1210): PDELQKAVEE[Met1200Ile]KRAKEEAQQK

ClinVar aggregate classification (germline): Uncertain significance (1 of 4 stars; one submission).

Conditions:
Duchenne muscular dystrophy (DMD). Also called: MUSCULAR DYSTROPHY, PSEUDOHYPERTROPHIC PROGRESSIVE, DUCHENNE TYPE; Duchenne Muscular Dystrophy (DMD). Identifiers: Orphanet 98896, MedGen C0013264, MONDO:0010679, OMIM 310200.

Allele frequency attached by ClinVar (database versions not stated): gnomAD exomes below 0.00001.

Submission:

Labcorp Genetics (formerly Invitae), Labcorp
Classification: Uncertain significance for Duchenne muscular dystrophy. Last evaluated: 2023-08-08. Review status: criteria provided, single submitter. Criteria: Invitae Variant Classification Sherloc (09022015). Collection method: clinical testing. Allele origin: germline.
Comment: This sequence change replaces methionine, which is neutral and non-polar, with isoleucine, which is neutral and non-polar, at codon 1200 of the DMD protein (p.Met1200Ile). This variant is not present in population databases (gnomAD no frequency). This variant has not been reported in the literature in individuals affected with DMD-related conditions. Advanced modeling of protein sequence and biophysical properties (such as structural, functional, and spatial information, amino acid conservation, physicochemical variation, residue mobility, and thermodynamic stability) performed at Invitae indicates that this missense variant is not expected to disrupt DMD protein function. In summary, the available evidence is currently insufficient to determine the role of this variant in disease. Therefore, it has been classified as a Variant of Uncertain Significance.